The following is an entry in ClinVar:

ClinVar aggregate classification (germline): Benign (1 of 4 stars; one submission).

Conditions:
Familial cancer of breast. Also called: BREAST CANCER, FAMILIAL; Hereditary breast cancer; hereditary breast carcinoma. Identifiers: Orphanet 227535, MedGen C0346153, MONDO:0016419, OMIM 114480. Disease mechanism: loss of function.

Submission:

Myriad Genetics, Inc.
Classification: Benign for Familial cancer of breast. Last evaluated: 2024-05-10. Review status: criteria provided, single submitter. Criteria: Myriad Autosomal Dominant, Autosomal Recessive and X-Linked Classification Criteria (2023). Collection method: clinical testing. Allele origin: unknown.
Comment: This variant is considered benign. This variant is a silent/synonymous amino acid change and it is not expected to impact splicing.

NM_000051.4(ATM):c.2653T>C (p.Leu885=)

Gene: ATM (ATM serine/threonine kinase; plus strand). Cytogenetic location: 11q22.3.
Variant type: single nucleotide variant.
Coding change: c.2653T>C on transcript NM_000051.4 (MANE Select); coding-DNA position 2653, T replaced by C.
Protein change: p.Leu885=; no amino-acid change (leucine 885 retained).
Molecular consequence: synonymous variant.
Genome position (GRCh38, 1-based): chr11:108,268,424, T>C. VCF-style: chr11-108268424-T-C. GRCh37 (hg19) VCF-style: chr11-108139151-T-C.
Other names: c.2653T>C, p.Leu885= (NM_001351834.2).
Identifiers: ClinVar variation 3253904 (VCV003253904.1), dbSNP rs2497630422.